The following is an entry in ClinVar:

ClinVar aggregate classification (germline): Uncertain significance (1 of 4 stars; one submission).

Conditions:
Hereditary cancer-predisposing syndrome. Also called: Neoplastic Syndromes, Hereditary; Tumor predisposition; Hereditary Cancer Syndrome; Hereditary neoplastic syndrome. Identifiers: Orphanet 140162, MedGen C0027672, MeSH D009386, MONDO:0015356.

Submission:

Ambry Genetics
Classification: Uncertain significance for Hereditary cancer-predisposing syndrome. Last evaluated: 2026-02-15. Review status: criteria provided, single submitter. Criteria: Ambry Variant Classification Scheme 2023. Collection method: clinical testing. Allele origin: germline.
Comment: The p.N113Y variant (also known as c.337A>T), located in coding exon 4 of the SDHA gene, results from an A to T substitution at nucleotide position 337. The asparagine at codon 113 is replaced by tyrosine, an amino acid with dissimilar properties. This amino acid position is conserved. In addition, this alteration is predicted to be deleterious by in silico analysis. Based on the available evidence, the clinical significance of this variant remains unclear.

NM_004168.4(SDHA):c.337A>T (p.Asn113Tyr)

Gene: SDHA (succinate dehydrogenase complex flavoprotein subunit A; plus strand). Cytogenetic location: 5p15.33.
Variant type: single nucleotide variant.
Coding change: c.337A>T on transcript NM_004168.4 (MANE Select); coding-DNA position 337, A replaced by T.
Protein change: p.Asn113Tyr; replaces asparagine 113 with tyrosine.
Molecular consequence: missense variant. On other transcripts: intron variant (1).
Genome position (GRCh38, 1-based): chr5:225,443, A>T. VCF-style: chr5-225443-A-T. GRCh37 (hg19) VCF-style: chr5-225558-A-T.
Other names: c.337A>T, p.Asn113Tyr (NM_001330758.2); c.313-440A>T (NM_001294332.2); short protein forms N113Y.
Identifiers: ClinVar variation 4825102 (VCV004825102.1).